The following is an entry in ClinVar:

ClinVar aggregate classification (germline): Uncertain significance. Review status: criteria provided, multiple submitters, no conflicts (2 of 4 stars). 4 submissions from 4 submitters: Uncertain significance (3). 1 of the submissions does not count toward it. Last evaluated 2024-01-25.

Conditions:
MYO7A-related disorder. Also called: MYO7A-related disorders.
Inborn genetic diseases. Identifiers: MedGen C0950123, MeSH D030342.

Allele frequency attached by ClinVar (database versions not stated): gnomAD 0.00002; ExAC 0.00007; 1000 Genomes Project 30x 0.00016; gnomAD exomes 0.00004; 1000 Genomes Project 0.00020.
gnomAD v4.1: 22 of 1,612,978 alleles (0.0014%); highest among the groups gnomAD compares: South Asian, 0.024%; no homozygotes.

Submissions (4):

Labcorp Genetics (formerly Invitae), Labcorp
Classification: Uncertain significance. Last evaluated: 2024-01-25. Review status: criteria provided, single submitter. Criteria: Invitae Variant Classification Sherloc (09022015). Collection method: clinical testing. Allele origin: germline.
Comment: This sequence change replaces threonine, which is neutral and polar, with serine, which is neutral and polar, at codon 1566 of the MYO7A protein (p.Thr1566Ser). This variant is present in population databases (rs552367391, gnomAD 0.03%). This variant has not been reported in the literature in individuals affected with MYO7A-related conditions. ClinVar contains an entry for this variant (Variation ID: 1302176). Advanced modeling of protein sequence and biophysical properties (such as structural, functional, and spatial information, amino acid conservation, physicochemical variation, residue mobility, and thermodynamic stability) performed at Invitae indicates that this missense variant is not expected to disrupt MYO7A protein function with a negative predictive value of 95%. In summary, the available evidence is currently insufficient to determine the role of this variant in disease. Therefore, it has been classified as a Variant of Uncertain Significance.

Ambry Genetics
Classification: Uncertain significance for Inborn genetic diseases. Last evaluated: 2022-05-25. Review status: criteria provided, single submitter. Criteria: Ambry Variant Classification Scheme 2023. Collection method: clinical testing. Allele origin: germline.

GeneDx
Classification: Uncertain significance. Last evaluated: 2021-04-16. Review status: criteria provided, single submitter. Criteria: GeneDx Variant Classification Process June 2021. Collection method: clinical testing. Allele origin: germline. Affected: yes.
Comment: In silico analysis supports that this missense variant does not alter protein structure/function; Has not been previously published as pathogenic or benign to our knowledge

PreventionGenetics, part of Exact Sciences
Classification: Uncertain significance for MYO7A-related condition. Last evaluated: 2024-06-11. Review status: no assertion criteria provided. Collection method: clinical testing. Allele origin: germline. Not counted in ClinVar's aggregate classification.
Comment: The MYO7A c.4696A>T variant is predicted to result in the amino acid substitution p.Thr1566Ser. This variant has been reported with a second MYO7A variant in an individual with nonsyndromic hearing loss (Alkhidir et al. 2024. PubMed ID: 38378725). This variant is reported in 0.030% of alleles in individuals of South Asian descent in gnomAD. At this time, the clinical significance of this variant is uncertain due to the absence of conclusive functional and genetic evidence.

NM_000260.4(MYO7A):c.4696A>T (p.Thr1566Ser)

Gene: MYO7A (myosin VIIA; plus strand). Cytogenetic location: 11q13.5.
Variant type: single nucleotide variant.
Coding change: c.4696A>T on transcript NM_000260.4 (MANE Select); coding-DNA position 4696, A replaced by T.
Protein change: p.Thr1566Ser; replaces threonine 1566 with serine.
Molecular consequence: missense variant.
Genome position (GRCh38, 1-based): chr11:77,199,662, A>T. VCF-style: chr11-77199662-A-T. GRCh37 (hg19) VCF-style: chr11-76910707-A-T.
Other names: c.4582A>T, p.Thr1528Ser (NM_001127180.2); c.4549A>T, p.Thr1517Ser (NM_001369365.1); short protein forms T1517S, T1528S, T1566S.
Identifiers: ClinVar variation 1302176 (VCV001302176.8), dbSNP rs552367391, ClinGen allele CA6198523.